The following is an entry in ClinVar:

ClinVar aggregate classification (germline): Uncertain significance (1 of 4 stars; one submission).

Conditions:
Arrhythmogenic right ventricular dysplasia 9 (ARVD9). Also called: Arrhythmogenic Right Ventricular Dysplasia/Cardiomyopathy 9; ARRHYTHMOGENIC RIGHT VENTRICULAR DYSPLASIA, FAMILIAL, 9. Identifiers: MedGen C1836906, MONDO:0012180, OMIM 609040.

Submission:

Labcorp Genetics (formerly Invitae), Labcorp
Classification: Uncertain significance for Arrhythmogenic right ventricular dysplasia 9. Last evaluated: 2024-09-29. Review status: criteria provided, single submitter. Criteria: Invitae Variant Classification Sherloc (09022015). Collection method: clinical testing. Allele origin: germline.
Comment: This sequence change replaces alanine, which is neutral and non-polar, with glycine, which is neutral and non-polar, at codon 236 of the PKP2 protein (p.Ala236Gly). This variant is not present in population databases (gnomAD no frequency). This variant has not been reported in the literature in individuals affected with PKP2-related conditions. An algorithm developed to predict the effect of missense changes on protein structure and function (PolyPhen-2) suggests that this variant is likely to be tolerated. In summary, the available evidence is currently insufficient to determine the role of this variant in disease. Therefore, it has been classified as a Variant of Uncertain Significance.

NM_001005242.3(PKP2):c.707C>G (p.Ala236Gly)

Gene: PKP2 (plakophilin 2; minus strand). Cytogenetic location: 12p11.21.
Variant type: single nucleotide variant.
Coding change: c.707C>G on transcript NM_001005242.3 (MANE Select); coding-DNA position 707, C replaced by G.
Protein change: p.Ala236Gly; replaces alanine 236 with glycine.
Molecular consequence: missense variant.
Genome position (GRCh38, 1-based): chr12:32,878,173, G>C on the plus strand (C>G on the coding strand, the complement: PKP2 is on the minus strand). VCF-style: chr12-32878173-G-C. GRCh37 (hg19) VCF-style: chr12-33031107-G-C.
Other names: c.707C>G, p.Ala236Gly (NM_001407155.1, NM_001407156.1, NM_001407157.1 and 2 more transcripts); c.380C>G, p.Ala127Gly (NM_001407158.1, NM_001407159.1, NM_001407160.1 and 1 more transcripts); short protein forms A236G, A127G.
Identifiers: ClinVar variation 3721772 (VCV003721772.2).